The following is an entry in ClinVar:

GRCh38/hg38 16p13.11(chr16:15387891-16364567)x1

Genes: ABCC1 (ATP binding cassette subfamily C member 1 (ABCC1 blood group); plus strand), ABCC6 (ATP binding cassette subfamily C member 6; minus strand), BMERB1 (bMERB domain containing 1; plus strand), CEP20 (centrosomal protein 20; minus strand), MARF1 (meiosis regulator and mRNA stability factor 1; minus strand) and 29 more. Cytogenetic location: 16p13.11.
Variant type: copy number loss.
Change: copy number 1 (one copy instead of two) of chr16:15,387,891-16,364,567 (976.7 kb, GRCh38 coordinates, 1-based), cytogenetic band 16p13.11.
Identifiers: ClinVar variation 4796086 (VCV004796086.1).

ClinVar aggregate classification (germline): Uncertain significance (1 of 4 stars; one submission).

Submission:

Medical Genetic Center, Changzhi Maternal and Child Health Care Hospital
Classification: Uncertain significance. Last evaluated: 2025-12-10. Review status: criteria provided, single submitter. Criteria: ACMG/ClinGen CNV Guidelines, 2019. Collection method: clinical testing. Allele origin: unknown.
Comment: 16p13.11 recurrent region (BP2-BP3) (includes MYH11) (HI=2)